The following is an entry in ClinVar:

NM_177438.3(DICER1):c.2746A>G (p.Lys916Glu)

Gene: DICER1 (dicer 1, ribonuclease III; minus strand). Cytogenetic location: 14q32.13.
Variant type: single nucleotide variant.
Coding change: c.2746A>G on transcript NM_177438.3 (MANE Select); coding-DNA position 2746, A replaced by G.
Protein change: p.Lys916Glu; replaces lysine 916 with glutamic acid.
Molecular consequence: missense variant. On other transcripts: non-coding transcript variant (6).
Genome position (GRCh38, 1-based): chr14:95,107,666, T>C on the plus strand (A>G on the coding strand, the complement: DICER1 is on the minus strand). VCF-style: chr14-95107666-T-C. GRCh37 (hg19) VCF-style: chr14-95574003-T-C.
Other names: c.2746A>G, p.Lys916Glu (NM_001195573.1, NM_001271282.3, NM_001291628.2 and 13 more transcripts); c.2464A>G, p.Lys822Glu (NM_001395686.1); c.2341A>G, p.Lys781Glu (NM_001395687.1, NM_001395688.1, NM_001395689.1 and 2 more transcripts); c.2179A>G, p.Lys727Glu (NM_001395691.1); c.1063A>G, p.Lys355Glu (NM_001395697.1); short protein forms K781E, K916E, K355E, K727E, K822E.
Identifiers: ClinVar variation 1918763 (VCV001918763.6), dbSNP rs2542829601, ClinGen allele CA390879531.

ClinVar aggregate classification (germline): Uncertain significance. Review status: criteria provided, multiple submitters, no conflicts (2 of 4 stars). 2 submissions from 2 submitters: Uncertain significance (2). Last evaluated 2023-10-31.

Conditions:
DICER1-related tumor predisposition. Also called: DICER1 syndrome; DICER1-related pleuropulmonary blastoma cancer predisposition syndrome. Identifiers: Orphanet 284343, MedGen C3839822, MONDO:0100216.
Global developmental delay - lung cysts - overgrowth - Wilms tumor syndrome. Also called: GLOW Syndrome; GLOBAL DEVELOPMENTAL DELAY, LUNG CYSTS, OVERGROWTH, AND WILMS TUMOR. Identifiers: Orphanet 404476, MedGen C4748924, MONDO:0018445, OMIM 618272.

Allele frequency attached by ClinVar (database versions not stated): gnomAD exomes below 0.00001.
gnomAD v4.1: 2 of 1,613,588 alleles (0.00012%); highest among the groups gnomAD compares: East Asian, 0.0045%; no homozygotes.

Submissions (2):

Baylor Genetics
Classification: Uncertain significance for Global developmental delay - lung cysts - overgrowth - Wilms tumor syndrome. Last evaluated: 2023-10-31. Review status: criteria provided, single submitter. Criteria: ACMG Guidelines, 2015. Collection method: clinical testing. Allele origin: unknown.

Labcorp Genetics (formerly Invitae), Labcorp
Classification: Uncertain significance for DICER1-related tumor predisposition. Last evaluated: 2022-04-29. Review status: criteria provided, single submitter. Criteria: Invitae Variant Classification Sherloc (09022015). Collection method: clinical testing. Allele origin: germline.
Comment: In summary, the available evidence is currently insufficient to determine the role of this variant in disease. Therefore, it has been classified as a Variant of Uncertain Significance. Algorithms developed to predict the effect of missense changes on protein structure and function (SIFT, PolyPhen-2, Align-GVGD) all suggest that this variant is likely to be tolerated. This variant has not been reported in the literature in individuals affected with DICER1-related conditions. This variant is not present in population databases (gnomAD no frequency). This sequence change replaces lysine, which is basic and polar, with glutamic acid, which is acidic and polar, at codon 916 of the DICER1 protein (p.Lys916Glu).